The following is an entry in ClinVar:

NM_012469.4(PRPF6):c.53_63del (p.Val18fs)

Gene: PRPF6 (pre-mRNA processing factor 6; plus strand). Cytogenetic location: 20q13.33.
Variant type: Deletion.
Coding change: c.53_63del on transcript NM_012469.4 (MANE Select); coding-DNA positions 53 to 63, 11 bases deleted (TGCCGGGGCTG).
Protein change: p.Val18fs; shifts the reading frame from valine 18.
Molecular consequence: frameshift variant.
Genome position (GRCh38, 1-based): chr20:63,981,298-63,981,308, TGCCGGGGCTG deleted; deleting any 11 consecutive bases within chr20:63,981,297-63,981,308 gives the same sequence; the c. name uses the placement nearest the transcript's 3' end. VCF-style (leftmost placement, unchanged base first): chr20-63981296-CGTGCCGGGGCT-C. GRCh37 (hg19) VCF-style: chr20-62612649-CGTGCCGGGGCT-C.
Other names: short protein forms V18fs.
Identifiers: ClinVar variation 3644934 (VCV003644934.2).
Genomic context (GRCh38, chr20:63,981,296, plus strand): 5'-CGCCGCCACCATGAACAAGAAGAAGAAACCGTTCCTAGGGATGCCCGCGCCCCTCGGCTA[CGTGCCGGGGCT>C]GGGCCGGGGGTGAGGCCTGGGGCGGCGCGCGAGGGGCGGGGACCCGGCTACAGGAGCGCA-3'

ClinVar aggregate classification (germline): Uncertain significance (1 of 4 stars; one submission).

Submission:

Labcorp Genetics (formerly Invitae), Labcorp
Classification: Uncertain significance. Last evaluated: 2025-09-11. Review status: criteria provided, single submitter. Criteria: Invitae Variant Classification Sherloc (09022015). Collection method: clinical testing. Allele origin: germline.
Comment: This sequence change creates a premature translational stop signal (p.Val18Glyfs*18) in the PRPF6 gene. It is expected to result in an absent or disrupted protein product. However, the current clinical and genetic evidence is not sufficient to establish whether loss-of-function variants in PRPF6 cause disease. This variant is not present in population databases (gnomAD no frequency). This variant has not been reported in the literature in individuals affected with PRPF6-related conditions. ClinVar contains an entry for this variant (Variation ID: 3644934). In summary, the available evidence is currently insufficient to determine the role of this variant in disease. Therefore, it has been classified as a Variant of Uncertain Significance.